The following is an entry in ClinVar:

NC_000020.10:g.(?_389402)_(746418_?)del

Genes: CSNK2A1 (casein kinase 2 alpha 1; minus strand), RBCK1 (RANBP2-type and C3HC4-type zinc finger containing 1; plus strand), SCRT2 (scratch family transcriptional repressor 2; minus strand), SLC52A3 (solute carrier family 52 member 3; minus strand), SRXN1 (sulfiredoxin 1; minus strand) and 2 more. Cytogenetic location: 20p13.
Variant type: Deletion.
Identifiers: ClinVar variation 1373812 (VCV001373812.4).

ClinVar aggregate classification (germline): Pathogenic. Review status: criteria provided, single submitter (1 of 4 stars). 2 submissions from 1 submitter: Pathogenic (1). 1 of the submissions does not count toward it. Last evaluated 2022-01-05.

Conditions:
Brown-Vialetto-van Laere syndrome 1. Also called: BROWN-VIALETTO-VAN LAERE SYNDROME 1, MILD; BULBAR PALSY, PROGRESSIVE, WITH SENSORINEURAL DEAFNESS; PONTOBULBAR PALSY WITH DEAFNESS. Identifiers: Orphanet 572550, Orphanet 97229, MedGen C0796274, MONDO:0024537, OMIM 211530.

Submissions (2):

Labcorp Genetics (formerly Invitae), Labcorp
Classification: Pathogenic for Brown-Vialetto-van Laere syndrome 1. Last evaluated: 2022-01-05. Review status: criteria provided, single submitter. Criteria: Invitae Variant Classification Sherloc (09022015). Collection method: clinical testing. Allele origin: germline.
Comment: A gross deletion of the genomic region encompassing the full coding sequence of the SLC52A3 gene has been identified. Loss-of-function variants in SLC52A3 are known to be pathogenic (PMID: 20206331, 22824638, 25462087). The boundaries of this event are unknown as they extend beyond the assayed region for this gene and therefore may encompass additional genes. This variant has not been reported in the literature in individuals affected with SLC52A3-related conditions. For these reasons, this variant has been classified as Pathogenic.

Labcorp Genetics (formerly Invitae), Labcorp
Classification: Pathogenic. Last evaluated: 2022-07-06. Review status: flagged submission. Criteria: Invitae Variant Classification Sherloc (09022015). Collection method: clinical testing. Allele origin: germline. Not counted in ClinVar's aggregate classification.
Comment: A gross deletion of the genomic region encompassing the full coding sequence of the TBC1D20 gene has been identified. Loss-of-function variants in TBC1D20 are known to be pathogenic (PMID: 24239381). The boundaries of this event are unknown as they extend beyond the assayed region for this gene and therefore may encompass additional genes. This variant has not been reported in the literature in individuals affected with TBC1D20-related conditions. For these reasons, this variant has been classified as Pathogenic.
ClinVar note: Reason: This record appears to be redundant with a more recent record from the same submitter.
ClinVar note: Notes: SCV002140163 appears to be redundant with SCV002243830.

Literature cited by the submitters: PubMed 20206331; PubMed 22824638; PubMed 25462087; PubMed 24239381.